The following is an entry in ClinVar:

ClinVar aggregate classification (germline): Likely pathogenic (1 of 4 stars; one submission).

Submission:

CeGaT Center for Human Genetics Tuebingen
Classification: Likely pathogenic. Last evaluated: 2024-09-01. Review status: criteria provided, single submitter. Criteria: CeGaT Center For Human Genetics Tuebingen Variant Classification Criteria Version 2. Collection method: clinical testing. Allele origin: germline. Affected: yes. Observed: 1 variant allele.
Comment: ACADVL: PM2, PP4:Moderate, PM3:Supporting, PP3

NM_000018.4(ACADVL):c.473C>A (p.Thr158Asn)

Gene: ACADVL (acyl-CoA dehydrogenase very long chain; plus strand). Cytogenetic location: 17p13.1.
Variant type: single nucleotide variant.
Coding change: c.473C>A on transcript NM_000018.4 (MANE Select); coding-DNA position 473, C replaced by A.
Protein change: p.Thr158Asn; replaces threonine 158 with asparagine.
Molecular consequence: missense variant.
Genome position (GRCh38, 1-based): chr17:7,221,054, C>A. VCF-style: chr17-7221054-C-A. GRCh37 (hg19) VCF-style: chr17-7124373-C-A.
Other names: c.407C>A, p.Thr136Asn (NM_001033859.3); c.542C>A, p.Thr181Asn (NM_001270447.2); c.245C>A, p.Thr82Asn (NM_001270448.2); short protein forms T136N, T158N, T181N, T82N.
Identifiers: ClinVar variation 3389450 (VCV003389450.14).